The following is an entry in ClinVar:

NC_000019.9:g.(?_49485502)_(49486104_?)del

Gene: GYS1 (glycogen synthase 1; minus strand). Cytogenetic location: 19q13.33.
Variant type: Deletion.
Identifiers: ClinVar variation 1073960 (VCV001073960.5).

ClinVar aggregate classification (germline): Pathogenic (1 of 4 stars; one submission).

Conditions:
Glycogen storage disease due to muscle and heart glycogen synthase deficiency. Also called: MUSCLE GLYCOGEN SYNTHASE DEFICIENCY; GSD 0b. Identifiers: Orphanet 137625, MedGen C1969054, MONDO:0012693, OMIM 611556.

Submission:

Labcorp Genetics (formerly Invitae), Labcorp
Classification: Pathogenic for Glycogen storage disease due to muscle and heart glycogen synthase deficiency. Last evaluated: 2020-07-31. Review status: criteria provided, single submitter. Criteria: Invitae Variant Classification Sherloc (09022015). Collection method: clinical testing. Allele origin: germline.
Comment: For these reasons, this variant has been classified as Pathogenic. Loss-of-function variants in GYS1 are known to be pathogenic (PMID: 17928598, 19699667). This variant has not been reported in the literature in individuals with GYS1-related conditions. This variant is an out-of-frame deletion of the genomic region encompassing exon(s) 6-7 of the GYS1 gene. This is expected to create a premature translational stop signal and result in an absent or disrupted protein product.

Literature cited by the submitters: PubMed 17928598; PubMed 19699667.